The following is an entry in ClinVar:

ClinVar aggregate classification (germline): Conflicting classifications of pathogenicity. Review status: criteria provided, conflicting classifications (1 of 4 stars). 2 submissions from 2 submitters: Uncertain significance (1); Likely benign (1). Last evaluated 2025-05-16.

Conditions:
Hereditary nonpolyposis colorectal neoplasms. Identifiers: MedGen C0009405, MeSH D003123.
Hereditary cancer-predisposing syndrome. Also called: Hereditary Cancer Syndrome; Hereditary neoplastic syndrome; Neoplastic Syndromes, Hereditary; Tumor predisposition. Identifiers: Orphanet 140162, MedGen C0027672, MeSH D009386, MONDO:0015356.

Submissions (2):

Ambry Genetics
Classification: Likely benign for Hereditary cancer-predisposing syndrome. Last evaluated: 2025-05-16. Review status: criteria provided, single submitter. Criteria: Ambry Variant Classification Scheme 2023. Collection method: clinical testing. Allele origin: germline.

Labcorp Genetics (formerly Invitae), Labcorp
Classification: Uncertain significance for Hereditary nonpolyposis colorectal neoplasms. Last evaluated: 2025-02-02. Review status: criteria provided, single submitter. Criteria: Invitae Variant Classification Sherloc (09022015). Collection method: clinical testing. Allele origin: germline.
Comment: This sequence change replaces glutamic acid, which is acidic and polar, with lysine, which is basic and polar, at codon 431 of the PMS2 protein (p.Glu431Lys). This variant is not present in population databases (gnomAD no frequency). This variant has not been reported in the literature in individuals affected with PMS2-related conditions. Invitae Evidence Modeling incorporating data from in vitro experimental studies (internal data) indicates that this missense variant is not expected to disrupt PMS2 function with a negative predictive value of 95%. In summary, the available evidence is currently insufficient to determine the role of this variant in disease. Therefore, it has been classified as a Variant of Uncertain Significance.

NM_000535.7(PMS2):c.1291G>A (p.Glu431Lys)

Gene: PMS2 (PMS1 homolog 2, mismatch repair system component; minus strand). Cytogenetic location: 7p22.1.
Variant type: single nucleotide variant.
Coding change: c.1291G>A on transcript NM_000535.7 (MANE Select); coding-DNA position 1291, G replaced by A.
Protein change: p.Glu431Lys; replaces glutamic acid 431 with lysine.
Molecular consequence: missense variant. On other transcripts: non-coding transcript variant (1), intron variant (1).
Genome position (GRCh38, 1-based): chr7:5,987,474, C>T on the plus strand (G>A on the coding strand, the complement: PMS2 is on the minus strand). VCF-style: chr7-5987474-C-T. GRCh37 (hg19) VCF-style: chr7-6027105-C-T.
Other names: c.886G>A, p.Glu296Lys (NM_001322003.2, NM_001322004.2, NM_001322005.2 and 16 more transcripts); c.955G>A, p.Glu319Lys (NM_001406885.1); c.925G>A, p.Glu309Lys (NM_001406886.1); c.1135G>A, p.Glu379Lys (NM_001322006.2, NM_001406870.1); c.973G>A, p.Glu325Lys (NM_001322007.2, NM_001322008.2, NM_001406903.1 and 2 more transcripts); c.730G>A, p.Glu244Lys (NM_001322010.2, NM_001406906.1, NM_001406907.1); c.358G>A, p.Glu120Lys (NM_001322011.2, NM_001322012.2); c.718G>A, p.Glu240Lys (NM_001322013.2, NM_001406909.1); and 13 more; short protein forms E276K, E375K, E174K, E296K, E309K, E328K, E395K, E439K.
Identifiers: ClinVar variation 3664594 (VCV003664594.3).